The following is an entry in ClinVar:

ClinVar aggregate classification (germline): Uncertain significance. Review status: criteria provided, multiple submitters, no conflicts (2 of 4 stars). 2 submissions from 2 submitters: Uncertain significance (2). Last evaluated 2025-06-15.

Conditions:
Fanconi anemia (FA). Also called: Fanconi's anemia. Identifiers: Orphanet 84, MedGen C0015625, MeSH D005199, MONDO:0019391.
Fanconi anemia complementation group B (FANCB). Also called: FANCONI PANCYTOPENIA, TYPE 2; FANCB-Related Fanconi Anemia. Identifiers: Orphanet 84, MedGen C1845292, MONDO:0010351, OMIM 300514.

Allele frequency attached by ClinVar (database versions not stated): gnomAD exomes below 0.00001; TOPMed 0.00001.
gnomAD v4.1: 2 of 1,148,855 alleles (0.00017%); highest among the groups gnomAD compares: South Asian, 0.0021%; no homozygotes.

Submissions (2):

Labcorp Genetics (formerly Invitae), Labcorp
Classification: Uncertain significance for Fanconi anemia. Last evaluated: 2025-06-15. Review status: criteria provided, single submitter. Criteria: Invitae Variant Classification Sherloc (09022015). Collection method: clinical testing. Allele origin: germline.
Comment: This sequence change replaces leucine, which is neutral and non-polar, with phenylalanine, which is neutral and non-polar, at codon 91 of the FANCB protein (p.Leu91Phe). This variant is present in population databases (no rsID available, gnomAD 0.007%). This variant has not been reported in the literature in individuals affected with FANCB-related conditions. ClinVar contains an entry for this variant (Variation ID: 2042137). Invitae Evidence Modeling of protein sequence and biophysical properties (such as structural, functional, and spatial information, amino acid conservation, physicochemical variation, residue mobility, and thermodynamic stability) indicates that this missense variant is not expected to disrupt FANCB protein function with a negative predictive value of 80%. In summary, the available evidence is currently insufficient to determine the role of this variant in disease. Therefore, it has been classified as a Variant of Uncertain Significance.

Johns Hopkins Genomics, Johns Hopkins University
Classification: Uncertain significance for Fanconi anemia complementation group B. Last evaluated: 2023-07-27. Review status: criteria provided, single submitter. Criteria: ACMG Guidelines, 2015. Collection method: clinical testing. Allele origin: germline.
Comment: This FANCB missense variant (rs752308987) is rare (<0.1%) in a large population dataset (gnomAD v2.1.1: 1/139247 total alleles; 0.0007%; no hemizygotes or homozygotes). It has been reported in ClinVar (Variation ID 2042137), but has not been reported in the literature, to our knowledge. Two bioinformatic tools queried predict that this substitution would be tolerated, and the leucine residue at this position is evolutionarily conserved across many of the species assessed, but a few species have a different amino acid at this position including 5 species with phenylalanine. We consider the clinical significance of c.271C>T in FANCB to be uncertain at this time.

Literature cited by the submitters: PubMed 32106311 (cited by Johns Hopkins Genomics, Johns Hopkins University).

NM_001018113.3(FANCB):c.271C>T (p.Leu91Phe)

Gene: FANCB (FA complementation group B; minus strand). Cytogenetic location: Xp22.2.
Variant type: single nucleotide variant.
Coding change: c.271C>T on transcript NM_001018113.3 (MANE Select); coding-DNA position 271, C replaced by T.
Protein change: p.Leu91Phe; replaces leucine 91 with phenylalanine.
Molecular consequence: missense variant. On other transcripts: non-coding transcript variant (1).
Genome position (GRCh38, 1-based): chrX:14,865,240, G>A on the plus strand (C>T on the coding strand, the complement: FANCB is on the minus strand). VCF-style: chrX-14865240-G-A. GRCh37 (hg19) VCF-style: chrX-14883362-G-A.
Other names: c.271C>T, p.Leu91Phe (NM_001324162.2, NM_001410764.1, NM_152633.4); c.271C>T (NM_001018113.2); short protein forms L91F.
Identifiers: ClinVar variation 2042137 (VCV002042137.4), dbSNP rs752308987, ClinGen allele CA412444892.